The following is an entry in ClinVar:

NM_198428.3(BBS9):c.341A>G (p.Asn114Ser)

Gene: BBS9 (Bardet-Biedl syndrome 9; plus strand). Cytogenetic location: 7p14.3.
Variant type: single nucleotide variant.
Coding change: c.341A>G on transcript NM_198428.3 (MANE Select); coding-DNA position 341, A replaced by G.
Protein change: p.Asn114Ser; replaces asparagine 114 with serine.
Molecular consequence: missense variant. On other transcripts: 5 prime UTR variant (4), non-coding transcript variant (3).
Genome position (GRCh38, 1-based): chr7:33,177,490, A>G. VCF-style: chr7-33177490-A-G. GRCh37 (hg19) VCF-style: chr7-33217102-A-G.
Other names: c.341A>G, p.Asn114Ser (NM_001033604.2, NM_001033605.2, NM_001348036.1 and 5 more transcripts); c.-26A>G (NM_001348037.3, NM_001348044.3, NM_001348045.3 and 1 more transcripts); c.68A>G, p.Asn23Ser (NM_001348038.3, NM_001348039.3); c.206A>G, p.Asn69Ser (NM_001348042.3); short protein forms N114S, N23S, N69S.
Identifiers: ClinVar variation 857906 (VCV000857906.9), dbSNP rs1797497751, ClinGen allele CA367251792.
Genomic context (GRCh38, chr7:33,177,490, plus strand): 5'-TTTTTAGTGTACACAAATACAAAGTAATCCTTTTTTTTTTTTCCTTAGGAACCTTGGGTA[A>G]TGTGGAACATGGGAACCAATGTCAGATGAAATTGATGTATGAACATAATCTTCAGAGAAC-3'
Protein context (NP_940820.1, residues 104-124): CVYSVSGTLG[Asn114Ser]VEHGNQCQMK

ClinVar aggregate classification (germline): Uncertain significance (1 of 4 stars; one submission).

Conditions:
Bardet-Biedl syndrome (BBS). Identifiers: Orphanet 110, MedGen C0752166, MONDO:0015229.

Submission:

Labcorp Genetics (formerly Invitae), Labcorp
Classification: Uncertain significance for Bardet-Biedl syndrome. Last evaluated: 2022-06-13. Review status: criteria provided, single submitter. Criteria: Invitae Variant Classification Sherloc (09022015). Collection method: clinical testing. Allele origin: germline.
Comment: In summary, the available evidence is currently insufficient to determine the role of this variant in disease. Therefore, it has been classified as a Variant of Uncertain Significance. Algorithms developed to predict the effect of missense changes on protein structure and function are either unavailable or do not agree on the potential impact of this missense change (SIFT: "Deleterious"; PolyPhen-2: "Benign"; Align-GVGD: "Class C45"). ClinVar contains an entry for this variant (Variation ID: 857906). This variant has not been reported in the literature in individuals affected with BBS9-related conditions. This variant is not present in population databases (gnomAD no frequency). This sequence change replaces asparagine, which is neutral and polar, with serine, which is neutral and polar, at codon 114 of the BBS9 protein (p.Asn114Ser).